The following is an entry in ClinVar:

ClinVar aggregate classification (germline): Uncertain significance. Review status: criteria provided, multiple submitters, no conflicts (2 of 4 stars). 2 submissions from 2 submitters: Uncertain significance (2). Last evaluated 2025-02-27.

Allele frequency attached by ClinVar (database versions not stated): gnomAD 0.00002; TOPMed 0.00002; gnomAD exomes 0.00004; ESP Exome Variant Server 0.00008.
gnomAD v4.1: 59 of 1,613,518 alleles (0.0037%); highest among the groups gnomAD compares: African/African-American, 0.012%; no homozygotes.

Submissions (2):

Ambry Genetics
Classification: Uncertain significance. Last evaluated: 2025-02-27. Review status: criteria provided, single submitter. Criteria: Ambry Variant Classification Scheme 2023. Collection method: clinical testing. Allele origin: germline.
Comment: The p.P753L variant (also known as c.2258C>T), located in coding exon 12 of the ATRIP gene, results from a C to T substitution at nucleotide position 2258. The proline at codon 753 is replaced by leucine, an amino acid with similar properties. This amino acid position is conserved. In addition, this alteration is predicted to be tolerated by in silico analysis. Based on the available evidence, the clinical significance of this variant remains unclear.

Labcorp Genetics (formerly Invitae), Labcorp
Classification: Uncertain significance. Last evaluated: 2023-03-14. Review status: criteria provided, single submitter. Criteria: Invitae Variant Classification Sherloc (09022015). Collection method: clinical testing. Allele origin: germline.
Comment: This variant has not been reported in the literature in individuals affected with ATRIP-related conditions. The frequency data for this variant in the population databases is considered unreliable, as metrics indicate poor data quality at this position in the gnomAD database. This sequence change replaces proline, which is neutral and non-polar, with leucine, which is neutral and non-polar, at codon 753 of the ATRIP protein (p.Pro753Leu). ClinVar contains an entry for this variant (Variation ID: 2160037). In summary, the available evidence is currently insufficient to determine the role of this variant in disease. Therefore, it has been classified as a Variant of Uncertain Significance. An algorithm developed to predict the effect of missense changes on protein structure and function (PolyPhen-2) suggests that this variant is likely to be disruptive.

NM_130384.3(ATRIP):c.2258C>T (p.Pro753Leu)

Genes: ATRIP (ATR interacting protein; plus strand), ATRIP-TREX1 (ATRIP-TREX1 readthrough; plus strand). Cytogenetic location: 3p21.31.
Variant type: single nucleotide variant.
Coding change: c.2258C>T on transcript NM_130384.3 (MANE Select); coding-DNA position 2258, C replaced by T.
Protein change: p.Pro753Leu; replaces proline 753 with leucine.
Molecular consequence: missense variant. On other transcripts: non-coding transcript variant (1).
Genome position (GRCh38, 1-based): chr3:48,465,033, C>T. VCF-style: chr3-48465033-C-T. GRCh37 (hg19) VCF-style: chr3-48506432-C-T.
Other names: c.1877C>T, p.Pro626Leu (NM_001271022.2); c.1979C>T, p.Pro660Leu (NM_001271023.2); c.2177C>T, p.Pro726Leu (NM_032166.4); c.2258C>T (NM_130384.1); short protein forms P626L, P660L, P726L, P753L.
Identifiers: ClinVar variation 2160037 (VCV002160037.5), dbSNP rs369842101, ClinGen allele CA73930742.